The following is an entry in ClinVar:

ClinVar aggregate classification (germline): Pathogenic (1 of 4 stars; one submission).

Conditions:
Deficiency of hyaluronoglucosaminidase (MPS9). Also called: Mucopolysaccharidosis type 9; MPS IX; HYALURONIDASE DEFICIENCY. Identifiers: Orphanet 67041, MedGen C1291490, MONDO:0011093, OMIM 601492.

Submission:

Labcorp Genetics (formerly Invitae), Labcorp
Classification: Pathogenic for Deficiency of hyaluronoglucosaminidase. Last evaluated: 2019-06-26. Review status: criteria provided, single submitter. Criteria: Invitae Variant Classification Sherloc (09022015). Collection method: clinical testing. Allele origin: germline.
Comment: This variant is not present in population databases (ExAC no frequency). For these reasons, this variant has been classified as Pathogenic. Loss-of-function variants in HYAL1 are known to be pathogenic (PMID: 10339581, 21559944). This variant has not been reported in the literature in individuals with HYAL1-related conditions. This sequence change creates a premature translational stop signal (p.Tyr147*) in the HYAL1 gene. It is expected to result in an absent or disrupted protein product.

Literature cited by the submitters: PubMed 10339581; PubMed 21559944.

NM_033159.4(HYAL1):c.441C>G (p.Tyr147Ter)

Gene: HYAL1 (hyaluronidase 1; minus strand). Cytogenetic location: 3p21.31.
Variant type: single nucleotide variant.
Coding change: c.441C>G on transcript NM_033159.4 (MANE Select); coding-DNA position 441, C replaced by G.
Protein change: p.Tyr147Ter; replaces tyrosine 147 with a stop codon.
Molecular consequence: nonsense. On other transcripts: 5 prime UTR variant (1), non-coding transcript variant (1), intron variant (1).
Genome position (GRCh38, 1-based): chr3:50,302,516, G>C on the plus strand (C>G on the coding strand, the complement: HYAL1 is on the minus strand). VCF-style: chr3-50302516-G-C. GRCh37 (hg19) VCF-style: chr3-50339947-G-C.
Other names: c.441C>G, p.Tyr147Ter (NM_153281.2, NM_153282.3); c.-106C>G (NM_153283.3); c.-26-311C>G (NM_153285.3); short protein forms Y147*.
Identifiers: ClinVar variation 941180 (VCV000941180.6), dbSNP rs1702209886, ClinGen allele CA352894234.